The following is an entry in ClinVar:

NM_000038.6(APC):c.4925A>G (p.Tyr1642Cys)

Gene: APC (APC regulator of Wnt signaling pathway; plus strand). Cytogenetic location: 5q22.2.
Variant type: single nucleotide variant.
Coding change: c.4925A>G on transcript NM_000038.6 (MANE Select); coding-DNA position 4925, A replaced by G.
Protein change: p.Tyr1642Cys; replaces tyrosine 1642 with cysteine.
Molecular consequence: missense variant.
Genome position (GRCh38, 1-based): chr5:112,840,519, A>G. VCF-style: chr5-112840519-A-G. GRCh37 (hg19) VCF-style: chr5-112176216-A-G.
Other names: c.4925A>G, p.Tyr1642Cys (NM_001127510.3, NM_001354895.2); c.4871A>G, p.Tyr1624Cys (NM_001127511.3); c.4979A>G, p.Tyr1660Cys (NM_001354896.2); c.4955A>G, p.Tyr1652Cys (NM_001354897.2); c.4850A>G, p.Tyr1617Cys (NM_001354898.2); c.4841A>G, p.Tyr1614Cys (NM_001354899.2); c.4802A>G, p.Tyr1601Cys (NM_001354900.2); c.4748A>G, p.Tyr1583Cys (NM_001354901.2); and 6 more; short protein forms Y1541C, Y1652C, Y1601C, Y1642C, Y1516C, Y1551C, Y1583C, Y1624C.
Identifiers: ClinVar variation 1364164 (VCV001364164.7), dbSNP rs779499509, ClinGen allele CA040224.

ClinVar aggregate classification (germline): Uncertain significance. Review status: criteria provided, multiple submitters, no conflicts (2 of 4 stars). 2 submissions from 2 submitters: Uncertain significance (2). Last evaluated 2026-01-14.

Conditions:
Hereditary cancer-predisposing syndrome. Also called: Hereditary neoplastic syndrome; Tumor predisposition; Neoplastic Syndromes, Hereditary; Hereditary Cancer Syndrome. Identifiers: Orphanet 140162, MedGen C0027672, MeSH D009386, MONDO:0015356.
Familial adenomatous polyposis 1 (FAP1). Also called: POLYPOSIS, ADENOMATOUS INTESTINAL; FAMILIAL ADENOMATOUS POLYPOSIS 1, ATTENUATED. Identifiers: MedGen C2713442, MONDO:0021056, OMIM 175100. Disease mechanism: loss of function.

Allele frequency attached by ClinVar (database versions not stated): gnomAD exomes below 0.00001 and 0.00001; ExAC 0.00001.
gnomAD v4.1: 2 of 1,614,144 alleles (0.00012%); highest among the groups gnomAD compares: East Asian, 0.0022%; no homozygotes.

Submissions (2):

Ambry Genetics
Classification: Uncertain significance for Hereditary cancer-predisposing syndrome. Last evaluated: 2026-01-14. Review status: criteria provided, single submitter. Criteria: Ambry Variant Classification Scheme 2023. Collection method: clinical testing. Allele origin: germline.
Comment: The p.Y1642C variant (also known as c.4925A>G), located in coding exon 15 of the APC gene, results from an A to G substitution at nucleotide position 4925. The tyrosine at codon 1642 is replaced by cysteine, an amino acid with highly dissimilar properties. This amino acid position is conserved. In addition, in silico predictors for this gene do not accurately predict pathogenicity. Based on the available evidence, the clinical significance of this variant remains unclear.

Labcorp Genetics (formerly Invitae), Labcorp
Classification: Uncertain significance for Familial adenomatous polyposis 1. Last evaluated: 2023-11-06. Review status: criteria provided, single submitter. Criteria: Invitae Variant Classification Sherloc (09022015). Collection method: clinical testing. Allele origin: germline.
Comment: This sequence change replaces tyrosine, which is neutral and polar, with cysteine, which is neutral and slightly polar, at codon 1642 of the APC protein (p.Tyr1642Cys). This variant is present in population databases (rs779499509, gnomAD 0.006%). This variant has not been reported in the literature in individuals affected with APC-related conditions. ClinVar contains an entry for this variant (Variation ID: 1364164). Advanced modeling of protein sequence and biophysical properties (such as structural, functional, and spatial information, amino acid conservation, physicochemical variation, residue mobility, and thermodynamic stability) performed at Invitae indicates that this missense variant is not expected to disrupt APC protein function with a negative predictive value of 95%. In summary, the available evidence is currently insufficient to determine the role of this variant in disease. Therefore, it has been classified as a Variant of Uncertain Significance.